The following is an entry in ClinVar:

NM_001267550.2(TTN):c.13914T>G (p.Tyr4638Ter)

Gene: TTN (titin; minus strand). Cytogenetic location: 2q31.2.
Variant type: single nucleotide variant.
Coding change: c.13914T>G on transcript NM_001267550.2 (MANE Select); coding-DNA position 13914, T replaced by G.
Protein change: p.Tyr4638Ter; replaces tyrosine 4638 with a stop codon.
Molecular consequence: nonsense. On other transcripts: intron variant (1).
Genome position (GRCh38, 1-based): chr2:178,739,319, A>C on the plus strand (T>G on the coding strand, the complement: TTN is on the minus strand). VCF-style: chr2-178739319-A-C. GRCh37 (hg19) VCF-style: chr2-179604046-A-C.
Other names: c.12963T>G, p.Tyr4321Ter (NM_001256850.1); c.12825T>G, p.Tyr4275Ter (NM_003319.4); c.13200T>G, p.Tyr4400Ter (NM_133432.3); c.13401T>G, p.Tyr4467Ter (NM_133437.4); c.10361-959T>G (NM_133378.4); short protein forms Y4638*, Y4321*, Y4467*, Y4275*, Y4400*.
Identifiers: ClinVar variation 3975846 (VCV003975846.1).

ClinVar aggregate classification (germline): Likely pathogenic (1 of 4 stars; one submission).

Conditions:
Cardiovascular phenotype. Identifiers: MedGen CN230736.

Submission:

Ambry Genetics
Classification: Likely pathogenic for Cardiovascular phenotype. Last evaluated: 2025-06-13. Review status: criteria provided, single submitter. Criteria: Ambry Variant Classification Scheme 2023. Collection method: clinical testing. Allele origin: germline.
Comment: The p.Y4275* variant (also known as c.12825T>G), located in coding exon 44 of the TTN gene, results from a T to G substitution at nucleotide position 12825. This changes the amino acid from a tyrosine to a stop codon within coding exon 44. This exon is located in the I-band region of the N2-B isoform of the titin protein and is constitutively expressed in TTN transcripts (percent spliced in or PSI 100%). This variant is considered to be rare based on population cohorts in the Genome Aggregation Database (gnomAD). This variant is expected to result in loss of function by premature protein truncation or nonsense-mediated mRNA decay. While truncating variants in TTN are present in 1-3% of the general population, truncating variants in the A-band are the most common cause of dilated cardiomyopathy (Herman DS et al. N. Engl. J. Med., 2012 Feb;366:619-28; Roberts AM et al. Sci Transl Med, 2015 Jan;7:270ra6). TTN truncating variants encoded in constitutive exons (PSI >90%) have been found to be significantly associated with DCM regardless of their position in titin (Schafer S et al. Nat. Genet., 2017 01;49:46-53; Akhtar MM et al. Circ Heart Fail, 2020 Oct;13:e006832; Massier M et al. Clin Genet, 2025 Jan). Based on the majority of available evidence to date, this variant is likely to be pathogenic.